The following is an entry in ClinVar:

ClinVar aggregate classification (germline): Likely pathogenic. Review status: criteria provided, single submitter (1 of 4 stars). 2 submissions from 1 submitter: Likely pathogenic (1). 1 of the submissions does not count toward it. Last evaluated 2022-05-19.

Conditions:
Pulmonary fibrosis. Identifiers: MedGen C0034069, MONDO:0002771, HP:0002206.
Pulmonary fibrosis and/or bone marrow failure, Telomere-related, 1. Also called: PULMONARY FIBROSIS AND/OR BONE MARROW FAILURE SYNDROME, TELOMERE-RELATED, 1. Identifiers: Orphanet 88, MedGen C3553617, MONDO:0013878, OMIM 614742.

Submissions (2):

Garcia Pulmonary Genetics Research Laboratory, Columbia University Irving Medical Center
Classification: Likely pathogenic for Pulmonary fibrosis and/or bone marrow failure, Telomere-related, 1. Last evaluated: 2022-05-19. Review status: criteria provided, single submitter. Criteria: ACMG Guidelines, 2015. Collection method: research. Allele origin: germline. Affected: yes. Observed: 1 variant allele.

Garcia Pulmonary Genetics Research Laboratory, Columbia University Irving Medical Center
Classification: Likely risk allele for Pulmonary fibrosis. Last evaluated: 2022-06-09. Review status: no assertion criteria provided. Collection method: research. Allele origin: germline. Affected: yes. Not counted in ClinVar's aggregate classification.
Comment: Leukocyte telomere length (by qPCR) less than 10th percentile age-adjusted

NM_198253.3(TERT):c.1601A>G (p.His534Arg)

Gene: TERT (telomerase reverse transcriptase; minus strand). Cytogenetic location: 5p15.33.
Variant type: single nucleotide variant.
Coding change: c.1601A>G on transcript NM_198253.3 (MANE Select); coding-DNA position 1601, A replaced by G.
Protein change: p.His534Arg; replaces histidine 534 with arginine.
Molecular consequence: missense variant. On other transcripts: non-coding transcript variant (2).
Genome position (GRCh38, 1-based): chr5:1,282,597, T>C on the plus strand (A>G on the coding strand, the complement: TERT is on the minus strand). VCF-style: chr5-1282597-T-C. GRCh37 (hg19) VCF-style: chr5-1282712-T-C.
Other names: p.His534Arg; c.1601A>G, p.His534Arg (NM_001193376.3); short protein forms H534R.
Identifiers: ClinVar variation 1686801 (VCV001686801.9), dbSNP rs2478306957, ClinGen allele CA359083531.